The following is an entry in ClinVar:

NC_000011.9:g.(?_71935411)_(71943899_?)del

Gene: INPPL1 (inositol polyphosphate phosphatase like 1; plus strand). Cytogenetic location: 11q13.4.
Variant type: Deletion.
Identifiers: ClinVar variation 3244741 (VCV003244741.1).

ClinVar aggregate classification (germline): Pathogenic (1 of 4 stars; one submission).

Submission:

Labcorp Genetics (formerly Invitae), Labcorp
Classification: Pathogenic. Last evaluated: 2023-05-06. Review status: criteria provided, single submitter. Criteria: Invitae Variant Classification Sherloc (09022015). Collection method: clinical testing. Allele origin: unknown.
Comment: For these reasons, this variant has been classified as Pathogenic. This variant has not been reported in the literature in individuals affected with INPPL1-related conditions. This variant is a gross deletion of the genomic region encompassing exon(s) 1-15 of the INPPL1 gene, which includes the initiator codon. This deletion extends beyond the assayed region for this gene and therefore may encompass additional genes. It is expected to result in an absent or disrupted protein product. Loss-of-function variants in INPPL1 are known to be pathogenic (PMID: 23273567, 23273569).

Literature cited by the submitters: PubMed 23273567; PubMed 23273569.